The following is an entry in ClinVar:

ClinVar aggregate classification (germline): Uncertain significance. Review status: criteria provided, multiple submitters, no conflicts (2 of 4 stars). 3 submissions from 3 submitters: Uncertain significance (3). Last evaluated 2024-02-06.

Conditions:
Hypopigmentation-punctate palmoplantar keratoderma syndrome. Also called: Cole disease; GUTTATE HYPOPIGMENTATION AND PUNCTATE PALMOPLANTAR KERATODERMA WITH OR WITHOUT ECTOPIC CALCIFICATION. Identifiers: Orphanet 324561, MedGen C3809781, MONDO:0014227, OMIM 615522.
Inherited obesity. Also called: Monogenic Obesity. Identifiers: Orphanet 77828, MedGen C4054476, MONDO:0019182, OMIM 601665.
Type 2 diabetes mellitus. Also called: Type II diabetes mellitus. Identifiers: MedGen C0011860, MeSH D003924, MONDO:0005148, OMIM 125853, HP:0005978.
Arterial calcification, generalized, of infancy, 1 (GACI1). Also called: Idiopathic Infantile Arterial Calcification. Identifiers: Orphanet 51608, MedGen C4551985, MONDO:0008817, OMIM 208000.
Hypophosphatemic rickets, autosomal recessive, 2 (ARHR2). Identifiers: Orphanet 289176, MedGen C2750078, MONDO:0013219, OMIM 613312.

Submissions (3):

Fulgent Genetics
Classification: Uncertain significance for Type 2 diabetes mellitus; Arterial calcification, generalized, of infancy, 1; Inherited obesity; Hypophosphatemic rickets, autosomal recessive, 2; Hypopigmentation-punctate palmoplantar keratoderma syndrome. Last evaluated: 2024-02-06. Review status: criteria provided, single submitter. Criteria: ACMG Guidelines, 2015. Collection method: clinical testing. Allele origin: germline.

GeneDx
Classification: Uncertain significance. Last evaluated: 2023-11-16. Review status: criteria provided, single submitter. Criteria: GeneDx Variant Classification Process June 2021. Collection method: clinical testing. Allele origin: germline. Affected: yes.
Comment: Not observed at significant frequency in large population cohorts (gnomAD); In silico analysis supports a deleterious effect on splicing; Has not been previously published as pathogenic or benign to our knowledge

Labcorp Genetics (formerly Invitae), Labcorp
Classification: Uncertain significance. Last evaluated: 2022-10-12. Review status: criteria provided, single submitter. Criteria: Invitae Variant Classification Sherloc (09022015). Collection method: clinical testing. Allele origin: germline.
Comment: In summary, the available evidence is currently insufficient to determine the role of this variant in disease. Therefore, it has been classified as a Variant of Uncertain Significance. Variants that disrupt the consensus splice site are a relatively common cause of aberrant splicing (PMID: 17576681, 9536098). Algorithms developed to predict the effect of sequence changes on RNA splicing suggest that this variant may disrupt the consensus splice site. This variant has not been reported in the literature in individuals affected with ENPP1-related conditions. This variant is not present in population databases (gnomAD no frequency). This sequence change falls in intron 14 of the ENPP1 gene. It does not directly change the encoded amino acid sequence of the ENPP1 protein. It affects a nucleotide within the consensus splice site.

Literature cited by the submitters: PubMed 17576681 (cited by Labcorp Genetics (formerly Invitae), Labcorp); PubMed 9536098 (cited by Labcorp Genetics (formerly Invitae), Labcorp).

NM_006208.3(ENPP1):c.1438-3C>G

Gene: ENPP1 (ectonucleotide pyrophosphatase/phosphodiesterase 1; plus strand). Cytogenetic location: 6q23.2.
Variant type: single nucleotide variant.
Coding change: c.1438-3C>G on transcript NM_006208.3 (MANE Select); 3 bases into the intron before coding-DNA position 1438, C replaced by G.
Molecular consequence: intron variant.
Genome position (GRCh38, 1-based): chr6:131,872,920, C>G. VCF-style: chr6-131872920-C-G. GRCh37 (hg19) VCF-style: chr6-132194060-C-G.
Identifiers: ClinVar variation 2035229 (VCV002035229.6), dbSNP rs752211779, ClinGen allele CA2580075049.
Genomic context (GRCh38, chr6:131,872,920, plus strand): 5'-AAAGTTGACACTTTTTTAGATATTAGGGAAATAATAGTTTTTCTTTGCTGTTTGCAATTT[C>G]AGTGCCGGGAACCAAACCAGCACTTCAAACCTTACCTGAAACATTTCTTACCTAAGCGTT-3'